The following is an entry in ClinVar:

NM_206933.4(USH2A):c.4628-63C>T

Gene: USH2A (usherin; minus strand). Cytogenetic location: 1q41.
Variant type: single nucleotide variant.
Coding change: c.4628-63C>T on transcript NM_206933.4 (MANE Select); 63 bases into the intron before coding-DNA position 4628, C replaced by T.
Molecular consequence: intron variant.
Genome position (GRCh38, 1-based): chr1:216,097,276, G>A on the plus strand (C>T on the coding strand, the complement: USH2A is on the minus strand). VCF-style: chr1-216097276-G-A. GRCh37 (hg19) VCF-style: chr1-216270618-G-A.
Identifiers: ClinVar variation 674210 (VCV000674210.5), dbSNP rs7540411, ClinGen allele CA10913552.
Genomic context (GRCh38, chr1:216,097,276, plus strand): 5'-GGTAAGACAAGTGTGATCAGCAAATCAGTGCTGGGGTTTTGTTGATTCTTTCTGATAAAT[G>A]TACATTTACTTTCATTATTATTTATGATGTAGTGAGTACAGTCAGGAAATTATACACAGC-3'

ClinVar aggregate classification (germline): Benign. Review status: criteria provided, multiple submitters, no conflicts (2 of 4 stars). 3 submissions from 3 submitters: Benign (3). Last evaluated 2021-07-01.

Conditions:
Usher syndrome type 2A. Also called: USHER SYNDROME, TYPE IIA; RETINAL DISEASE IN USHER SYNDROME TYPE IIA, MODIFIER OF. Identifiers: Orphanet 231178, Orphanet 886, MedGen C1848634, MONDO:0010169, OMIM 276901.

Allele frequency attached by ClinVar (database versions not stated): 1000 Genomes Project 0.09225; 1000 Genomes Project 30x 0.09260; gnomAD 0.12702 and 0.13052; TOPMed 0.12833; gnomAD exomes 0.13351.
gnomAD v4.1: 214,630 of 1,611,552 alleles (13%); highest among the groups gnomAD compares: Middle Eastern, 18%; 15,214 homozygotes.

Submissions (3):

Genome-Nilou Lab
Classification: Benign for Usher syndrome type 2A. Last evaluated: 2021-07-01. Review status: criteria provided, single submitter. Criteria: ACMG Guidelines, 2015. Collection method: clinical testing. Allele origin: germline. Affected: no.

GeneDx
Classification: Benign. Last evaluated: 2018-06-14. Review status: criteria provided, single submitter. Criteria: GeneDx Variant Classification (06012015). Collection method: clinical testing. Allele origin: germline. Affected: yes.
Comment: This variant is considered likely benign or benign based on one or more of the following criteria: it is a conservative change, it occurs at a poorly conserved position in the protein, it is predicted to be benign by multiple in silico algorithms, and/or has population frequency not consistent with disease.

Breakthrough Genomics
Classification: Benign. Review status: criteria provided, single submitter. Criteria: ACMG Guidelines, 2015. Collection method: not provided. Allele origin: germline. Inheritance: Autosomal recessive inheritance. Affected: yes.